The following is an entry in ClinVar:

NM_001190274.2(FBXO11):c.554G>A (p.Arg185His)

Gene: FBXO11 (F-box protein 11; minus strand). Cytogenetic location: 2p16.3.
Variant type: single nucleotide variant.
Coding change: c.554G>A on transcript NM_001190274.2 (MANE Select); coding-DNA position 554, G replaced by A.
Protein change: p.Arg185His; replaces arginine 185 with histidine.
Molecular consequence: missense variant.
Genome position (GRCh38, 1-based): chr2:47,838,892, C>T on the plus strand (G>A on the coding strand, the complement: FBXO11 is on the minus strand). VCF-style: chr2-47838892-C-T. GRCh37 (hg19) VCF-style: chr2-48066031-C-T.
Other names: c.554G>A (NM_001190274.1); c.302G>A, p.Arg101His (NM_001374325.1, NM_025133.4); short protein forms R101H, R185H.
Identifiers: ClinVar variation 1329872 (VCV001329872.2), dbSNP rs2104856077, ClinGen allele CA16040346.
Genomic context (GRCh38, chr2:47,838,892, plus strand): 5'-GTTAATAAGGAATAGGTTTTTACTTACCACAAAATTGGATCATTAGCAAGTTCACTGAAG[C>T]GTTTACATACACAAGCTGCTCTACAAAGATCCTGTTCCAGCAAGTAAGAGAAGATTTTTA-3'
Protein context (NP_001177203.1, residues 175-195): DLCRAACVCK[Arg185His]FSELANDPIL

ClinVar aggregate classification (germline): Conflicting classifications of pathogenicity. Review status: criteria provided, conflicting classifications (1 of 4 stars). 2 submissions from 2 submitters: Likely pathogenic (1); Uncertain significance (1). Last evaluated 2024-10-18.

Conditions:
FBXO11-related disorder. Also called: FBXO11-related condition.
Intellectual developmental disorder with dysmorphic facies and behavioral abnormalities. Identifiers: MedGen C4748135, MONDO:0060760, OMIM 618089.

Allele frequency attached by ClinVar (database versions not stated): gnomAD exomes below 0.00001.
gnomAD v4.1: 1 of 1,613,870 alleles (0.000062%); highest among the groups gnomAD compares: Non-Finnish European, 0.000085%; no homozygotes.

Submissions (2):

PreventionGenetics, part of Exact Sciences
Classification: Uncertain significance for FBXO11-related condition. Last evaluated: 2024-10-18. Review status: criteria provided, single submitter. Criteria: ACMG Guidelines, 2015. Collection method: clinical testing. Allele origin: germline.
Comment: The FBXO11 c.554G>A variant is predicted to result in the amino acid substitution p.Arg185His. This variant has been reported as de novo in an individual with syndromic neurodevelopmental disorders (Gregor et al. 2022. PubMed ID: 34505148). This variant has not been reported in a large population database (gnomAD), indicating this variant is rare. At this time, the clinical significance of this variant is uncertain due to the absence of conclusive functional and genetic evidence.

Institute of Human Genetics, University of Leipzig Medical Center
Classification: Likely pathogenic for Intellectual developmental disorder with dysmorphic facies and behavioral abnormalities. Last evaluated: 2021-12-21. Review status: criteria provided, single submitter. Criteria: ACMG Guidelines, 2015. Collection method: research. Allele origin: de novo. Affected: yes.

Literature cited by the submitters: PubMed 34505148 (cited by Institute of Human Genetics, University of Leipzig Medical Center).